The following is an entry in ClinVar:

NM_138927.4(SON):c.4808C>G (p.Pro1603Arg)

Gene: SON (SON DNA and RNA binding protein; plus strand). Cytogenetic location: 21q22.11.
Variant type: single nucleotide variant.
Coding change: c.4808C>G on transcript NM_138927.4 (MANE Select); coding-DNA position 4808, C replaced by G.
Protein change: p.Pro1603Arg; replaces proline 1603 with arginine.
Molecular consequence: missense variant. On other transcripts: non-coding transcript variant (1), intron variant (1).
Genome position (GRCh38, 1-based): chr21:33,554,039, C>G. VCF-style: chr21-33554039-C-G. GRCh37 (hg19) VCF-style: chr21-34926345-C-G.
Other names: c.4808C>G, p.Pro1603Arg (NM_001291411.2, NM_032195.3); c.245-3117C>G (NM_001291412.3); short protein forms P1603R.
Identifiers: ClinVar variation 3623706 (VCV003623706.2).

ClinVar aggregate classification (germline): Uncertain significance (1 of 4 stars; one submission).

gnomAD v4.1: 19 of 1,613,974 alleles (0.0012%); highest among the groups gnomAD compares: Non-Finnish European, 0.0015%; no homozygotes.

Submission:

Labcorp Genetics (formerly Invitae), Labcorp
Classification: Uncertain significance. Last evaluated: 2025-01-20. Review status: criteria provided, single submitter. Criteria: Invitae Variant Classification Sherloc (09022015). Collection method: clinical testing. Allele origin: germline.
Comment: This sequence change replaces proline, which is neutral and non-polar, with arginine, which is basic and polar, at codon 1603 of the SON protein (p.Pro1603Arg). This variant is present in population databases (no rsID available, gnomAD 0.002%). This variant has not been reported in the literature in individuals affected with SON-related conditions. An algorithm developed to predict the effect of missense changes on protein structure and function (PolyPhen-2) suggests that this variant is likely to be tolerated. In summary, the available evidence is currently insufficient to determine the role of this variant in disease. Therefore, it has been classified as a Variant of Uncertain Significance.